The following is an entry in ClinVar:

ClinVar aggregate classification (germline): Conflicting classifications of pathogenicity. Review status: criteria provided, conflicting classifications (1 of 4 stars). 4 submissions from 4 submitters: Uncertain significance (1); Likely benign (2). 1 of the submissions does not count toward it. Last evaluated 2025-12-13.

Conditions:
Bardet-Biedl syndrome (BBS). Identifiers: Orphanet 110, MedGen C0752166, MONDO:0015229.
Bardet-Biedl syndrome 2 (BBS2). Identifiers: Orphanet 110, MedGen C2936863, MONDO:0014432, OMIM 615981.
BBS2-related disorder. Also called: BBS2-related condition; BBS2-related disorders. Identifiers: MedGen CN239228.

Allele frequency attached by ClinVar (database versions not stated): ExAC 0.00003; gnomAD 0.00003; TOPMed 0.00004; gnomAD exomes 0.00006.
gnomAD v4.1: 22 of 1,613,978 alleles (0.0014%); highest among the groups gnomAD compares: East Asian, 0.029%; no homozygotes.

Submissions (4):

Labcorp Genetics (formerly Invitae), Labcorp
Classification: Likely benign for Bardet-Biedl syndrome. Last evaluated: 2025-12-13. Review status: criteria provided, single submitter. Criteria: Invitae Variant Classification Sherloc (09022015). Collection method: clinical testing. Allele origin: germline.

Blueprint Genetics
Classification: Likely benign. Last evaluated: 2024-11-15. Review status: criteria provided, single submitter. Criteria: ACMG Guidelines, 2015. Collection method: clinical testing. Allele origin: germline.

Illumina Laboratory Services, Illumina
Classification: Uncertain significance for Bardet-Biedl syndrome 2. Last evaluated: 2018-01-13. Review status: criteria provided, single submitter. Criteria: ICSL Variant Classification Criteria 13 December 2019. Collection method: clinical testing. Allele origin: germline.

PreventionGenetics, part of Exact Sciences
Classification: Likely benign for BBS2-related condition. Last evaluated: 2023-11-22. Review status: no assertion criteria provided. Collection method: clinical testing. Allele origin: germline. Not counted in ClinVar's aggregate classification.
Comment: This variant is classified as likely benign based on ACMG/AMP sequence variant interpretation guidelines (Richards et al. 2015 PMID: 25741868, with internal and published modifications).

NM_031885.5(BBS2):c.1284C>T (p.His428=)

Gene: BBS2 (Bardet-Biedl syndrome 2; minus strand). Cytogenetic location: 16q13.
Variant type: single nucleotide variant.
Coding change: c.1284C>T on transcript NM_031885.5 (MANE Select); coding-DNA position 1284, C replaced by T.
Protein change: p.His428=; no amino-acid change (histidine 428 retained).
Molecular consequence: synonymous variant. On other transcripts: non-coding transcript variant (2).
Genome position (GRCh38, 1-based): chr16:56,500,967, G>A on the plus strand (C>T on the coding strand, the complement: BBS2 is on the minus strand). VCF-style: chr16-56500967-G-A. GRCh37 (hg19) VCF-style: chr16-56534879-G-A.
Other names: c.1284C>T, p.His428= (NM_001377456.1).
Identifiers: ClinVar variation 886239 (VCV000886239.16), dbSNP rs757521927, ClinGen allele CA8065771.
Genomic context (GRCh38, chr16:56,500,967, plus strand): 5'-GGGAGGCACAATAGGGATGCAGATGGAACTGGAGAGGTTGTGAATGCTGGGATGTACCAC[G>A]TGGCTTTCACCTGTAAAAATTCCTTCTGCAAAAATCAATACTGCTCGGATGATGGTGTCT-3'
Protein context (NP_114091.4, residues 418-438): FAEGIFTGES[His428=]VVHPSIHNLS